The following is an entry in ClinVar:

ClinVar aggregate classification (germline): Uncertain significance (1 of 4 stars; one submission).

Submission:

GeneDx
Classification: Uncertain significance. Last evaluated: 2020-11-12. Review status: criteria provided, single submitter. Criteria: GeneDx Variant Classification Process June 2021. Collection method: clinical testing. Allele origin: germline. Affected: yes.
Comment: Not observed in large population cohorts (Lek et al., 2016); In silico analysis, which includes protein predictors and evolutionary conservation, supports a deleterious effect; Has not been previously published as pathogenic or benign to our knowledge

NM_013275.6(ANKRD11):c.6997C>T (p.Pro2333Ser)

Gene: ANKRD11 (ankyrin repeat domain containing 11; minus strand). Cytogenetic location: 16q24.3.
Variant type: single nucleotide variant.
Coding change: c.6997C>T on transcript NM_013275.6 (MANE Select); coding-DNA position 6997, C replaced by T.
Protein change: p.Pro2333Ser; replaces proline 2333 with serine.
Molecular consequence: missense variant.
Genome position (GRCh38, 1-based): chr16:89,279,545, G>A on the plus strand (C>T on the coding strand, the complement: ANKRD11 is on the minus strand). VCF-style: chr16-89279545-G-A. GRCh37 (hg19) VCF-style: chr16-89345953-G-A.
Other names: c.6997C>T, p.Pro2333Ser (NM_001256182.2, NM_001256183.2); short protein forms P2333S.
Identifiers: ClinVar variation 1198583 (VCV001198583.2), dbSNP rs2151731645, ClinGen allele CA397149552.